The following is an entry in ClinVar:

ClinVar aggregate classification (germline): Pathogenic (1 of 4 stars; one submission).

Conditions:
Polycystic kidney disease, adult type (PKD1). Also called: POLYCYSTIC KIDNEY DISEASE, ADULT, TYPE I; Polycystic Kidney Disease 1, Autosomal Dominant; Polycystic kidney disease 1; Polycystic kidney disease 1, severe; Polycystic Kidney, Autosomal Dominant; POLYCYSTIC KIDNEY DISEASE 1 WITH OR WITHOUT POLYCYSTIC LIVER DISEASE. Identifiers: MedGen C3149841, MONDO:0008263, OMIM 173900.

Submission:

Laboratorio de Genetica e Diagnostico Molecular, Hospital Israelita Albert Einstein
Classification: Pathogenic for Polycystic kidney disease, adult type. Last evaluated: 2023-08-25. Review status: criteria provided, single submitter. Criteria: ACMG Guidelines, 2015. Collection method: clinical testing. Allele origin: germline. Affected: yes.
Comment: ACMG classification criteria: PVS1 very strong, PS4 supporting, PM2 moderate

NM_001009944.3(PKD1):c.1606+2T>C

Gene: PKD1 (polycystin 1, transient receptor potential channel interacting; minus strand). Cytogenetic location: 16p13.3.
Variant type: single nucleotide variant.
Coding change: c.1606+2T>C on transcript NM_001009944.3 (MANE Select); the canonical splice donor site of the intron after coding-DNA position 1606, T replaced by C.
Molecular consequence: splice donor variant.
Genome position (GRCh38, 1-based): chr16:2,116,831, A>G on the plus strand (T>C on the coding strand, the complement: PKD1 is on the minus strand). VCF-style: chr16-2116831-A-G. GRCh37 (hg19) VCF-style: chr16-2166832-A-G.
Other names: c.1606+2T>C (NM_000296.4).
Identifiers: ClinVar variation 4056730 (VCV004056730.1).